The following is an entry in ClinVar:

NM_138694.4(PKHD1):c.6490+4G>A

Gene: PKHD1 (PKHD1 ciliary IPT domain containing fibrocystin/polyductin; minus strand). Cytogenetic location: 6p12.2.
Variant type: single nucleotide variant.
Coding change: c.6490+4G>A on transcript NM_138694.4 (MANE Select); 4 bases into the intron after coding-DNA position 6490, G replaced by A.
Molecular consequence: intron variant.
Genome position (GRCh38, 1-based): chr6:51,911,795, C>T on the plus strand (G>A on the coding strand, the complement: PKHD1 is on the minus strand). VCF-style: chr6-51911795-C-T. GRCh37 (hg19) VCF-style: chr6-51776593-C-T.
Other names: c.6490+4G>A (NM_170724.3).
Identifiers: ClinVar variation 3054267 (VCV003054267.4), dbSNP rs764221265, ClinGen allele CA3852250.
Genomic context (GRCh38, chr6:51,911,795, plus strand): 5'-TATCATCAGACAGTAAGAATATTCTTTTTTGCTCATTAGACTTTCCAACAAAACACTCTT[C>T]TACCTTCTGGAGCATTGGCCTCCTGGCATGAAACAAGCAGCTTCTCCCTCTCATTAGTGA-3'

ClinVar aggregate classification (germline): Uncertain significance. Review status: criteria provided, single submitter (1 of 4 stars). 2 submissions from 2 submitters: Uncertain significance (1). 1 of the submissions does not count toward it. Last evaluated 2025-04-07.

Conditions:
PKHD1-related disorder. Also called: PKHD1-related condition.

Allele frequency attached by ClinVar (database versions not stated): gnomAD exomes 0.00003; ExAC 0.00005; gnomAD 0.00002; TOPMed 0.00003.
gnomAD v4.1: 48 of 1,611,558 alleles (0.003%); highest among the groups gnomAD compares: Non-Finnish European, 0.00068%; no homozygotes.

Submissions (2):

Women's Health and Genetics/Laboratory Corporation of America, LabCorp
Classification: Uncertain significance. Last evaluated: 2025-04-07. Review status: criteria provided, single submitter. Criteria: LabCorp Variant Classification Summary - May 2015. Collection method: clinical testing. Allele origin: germline.

PreventionGenetics, part of Exact Sciences
Classification: Likely benign for PKHD1-related condition. Last evaluated: 2023-01-07. Review status: no assertion criteria provided. Collection method: clinical testing. Allele origin: germline. Not counted in ClinVar's aggregate classification.
Comment: This variant is classified as likely benign based on ACMG/AMP sequence variant interpretation guidelines (Richards et al. 2015 PMID: 25741868, with internal and published modifications).